The following is an entry in ClinVar:

ClinVar aggregate classification (germline): Pathogenic/Likely pathogenic. Review status: criteria provided, multiple submitters, no conflicts (2 of 4 stars). 2 submissions from 2 submitters: Pathogenic (1); Likely pathogenic (1). Last evaluated 2025-09-16.

Conditions:
Osteogenesis imperfecta type I (OI1). Also called: OI, TYPE I; OSTEOGENESIS IMPERFECTA TARDA; OSTEOGENESIS IMPERFECTA WITH BLUE SCLERAE; Osteogenesis imperfecta type 1; Lobstein's Disease; Lobstein disease. Identifiers: Orphanet 216796, Orphanet 666, MedGen C0023931, MONDO:0008146, OMIM 166200. Disease mechanism: loss of function.
COL1A1-related disorder. Also called: COL1A1- related disease; COL1A1-related condition.

Submissions (2):

PreventionGenetics, part of Exact Sciences
Classification: Likely pathogenic for COL1A1-related condition. Last evaluated: 2025-09-16. Review status: criteria provided, single submitter. Criteria: ACMG Guidelines, 2015. Collection method: clinical testing. Allele origin: germline.
Comment: The COL1A1 c.1822-2delA variant is predicted to result in a deletion affecting a canonical splice site. This variant is predicted to alter splicing based on available splicing prediction programs (SpliceAI, Jaganathan et al. 2019. PubMed ID: 30661751; Alamut Visual v1.6.1). However, the use of computer prediction programs is not equivalent to functional evidence. This variant was reported in at least one individual with osteogenesis imperfecta (Table 2, Liu et al 2017. PubMed ID: 28725987; Supplementary Table 1, Lin et al. 2024. PubMed ID: 37270749). This variant has not been reported in a large population database (gnomAD), indicating this variant is rare. This variant is interpreted as likely pathogenic.

Labcorp Genetics (formerly Invitae), Labcorp
Classification: Pathogenic for Osteogenesis imperfecta type I. Last evaluated: 2024-04-22. Review status: criteria provided, single submitter. Criteria: Invitae Variant Classification Sherloc (09022015). Collection method: clinical testing. Allele origin: germline.
Comment: This sequence change affects a splice site in intron 26 of the COL1A1 gene. It is expected to disrupt RNA splicing. Variants that disrupt the donor or acceptor splice site typically lead to a loss of protein function (PMID: 16199547), and loss-of-function variants in COL1A1 are known to be pathogenic (PMID: 7942841, 9295084, 9443882). This variant is not present in population databases (gnomAD no frequency). Disruption of this splice site has been observed in individual(s) with osteogenesis imperfecta (PMID: 28725987). Algorithms developed to predict the effect of sequence changes on RNA splicing suggest that this variant may disrupt the consensus splice site. For these reasons, this variant has been classified as Pathogenic.

Literature cited by the submitters: PubMed 16199547 (cited by Labcorp Genetics (formerly Invitae), Labcorp); PubMed 7942841 (cited by Labcorp Genetics (formerly Invitae), Labcorp); PubMed 9295084 (cited by Labcorp Genetics (formerly Invitae), Labcorp); PubMed 9443882 (cited by Labcorp Genetics (formerly Invitae), Labcorp); PubMed 28725987 (cited by Labcorp Genetics (formerly Invitae), Labcorp).

NM_000088.4(COL1A1):c.1822-2del

Gene: COL1A1 (collagen type I alpha 1 chain; minus strand). Cytogenetic location: 17q21.33.
Variant type: Deletion.
Coding change: c.1822-2del on transcript NM_000088.4 (MANE Select); the canonical splice acceptor site of the intron before coding-DNA position 1822, one base deleted (A; older notation c.1822-2delA).
Molecular consequence: splice acceptor variant.
Genome position (GRCh38, 1-based): chr17:50,192,852, T deleted on the plus strand (A on the coding strand, the reverse complement: COL1A1 is on the minus strand). VCF-style (leftmost placement, unchanged base first): chr17-50192851-CT-C. GRCh37 (hg19) VCF-style: chr17-48270212-CT-C.
Identifiers: ClinVar variation 3050994 (VCV003050994.5), dbSNP rs2509208351, ClinGen allele CA2695226630.